The following is an entry in ClinVar:

ClinVar aggregate classification (germline): Likely benign (0 of 4 stars; one submission).

Conditions:
AMACR-related disorder. Also called: AMACR-related condition; AMACR-Related Disorders.

Allele frequency attached by ClinVar (database versions not stated): ExAC 0.00001.
gnomAD v4.1: 2 of 1,614,118 alleles (0.00012%); highest among the groups gnomAD compares: Admixed American, 0.0017%; no homozygotes.

Submission:

PreventionGenetics, part of Exact Sciences
Classification: Likely benign for AMACR-related condition. Last evaluated: 2022-12-21. Review status: no assertion criteria provided. Collection method: clinical testing. Allele origin: germline.
Comment: This variant is classified as likely benign based on ACMG/AMP sequence variant interpretation guidelines (Richards et al. 2015 PMID: 25741868, with internal and published modifications).

NM_014324.6(AMACR):c.993G>A (p.Leu331=)

Genes: AMACR (alpha-methylacyl-CoA racemase; minus strand), C1QTNF3-AMACR (C1QTNF3-AMACR readthrough (NMD candidate); minus strand). Cytogenetic location: 5p13.2.
Variant type: single nucleotide variant.
Coding change: c.993G>A on transcript NM_014324.6 (MANE Select); coding-DNA position 993, G replaced by A.
Protein change: p.Leu331=; no amino-acid change (leucine 331 retained).
Molecular consequence: synonymous variant. On other transcripts: non-coding transcript variant (1), 3 prime UTR variant (1).
Genome position (GRCh38, 1-based): chr5:33,989,249, C>T on the plus strand (G>A on the coding strand, the complement: AMACR is on the minus strand). VCF-style: chr5-33989249-C-T. GRCh37 (hg19) VCF-style: chr5-33989354-C-T.
Other names: c.993G>A, p.Leu331= (NM_001167595.2); c.*235G>A (NM_203382.3).
Identifiers: ClinVar variation 3050787 (VCV003050787.2), dbSNP rs760727161, ClinGen allele CA3225975.